The following is an entry in ClinVar:

NM_001042492.3(NF1):c.1744del (p.Cys582fs)

Gene: NF1 (neurofibromin 1; plus strand). Cytogenetic location: 17q11.2.
Variant type: Deletion.
Coding change: c.1744del on transcript NM_001042492.3 (MANE Select); coding-DNA position 1744, one base deleted (T; older notation c.1744delT).
Protein change: p.Cys582fs; shifts the reading frame from cysteine 582.
Molecular consequence: frameshift variant.
Genome position (GRCh38, 1-based): chr17:31,223,466, T deleted. VCF-style (leftmost placement, unchanged base first): chr17-31223465-CT-C. GRCh37 (hg19) VCF-style: chr17-29550483-CT-C.
Other names: c.1744delT, p.Cys582Alafs (NM_000267.3); c.1744del, p.Cys582fs (NM_000267.4); short protein forms C582fs.
Identifiers: ClinVar variation 5020094 (VCV005020094.1).
Genomic context (GRCh38, chr17:31,223,465, plus strand): 5'-TTGATGATGCTAGTAACAATGAACTTTATGTTACTGCAGCTCACAAATGCTTTTTTACAT[CT>C]GCAAGAAATTAACTAGTCATCAAATGCTTAGTAGCACAGAAATTCTCAAGTGGTTGCGGG-3'

ClinVar aggregate classification (germline): Likely pathogenic (1 of 4 stars; one submission).

Conditions:
Neurofibromatosis, type 1 (NF1). Also called: NEUROFIBROMATOSIS, TYPE I, SOMATIC; Peripheral type neurofibromatosis; Neurofibromatosis, type I; VON RECKLINGHAUSEN DISEASE. Identifiers: Orphanet 636, MedGen C0027831, MONDO:0018975, OMIM 162200. Disease mechanism: loss of function.

Submission:

Division of Genetic & Genomic Pathology, Hong Kong Children's Hospital
Classification: Likely pathogenic for Neurofibromatosis, type 1. Last evaluated: 2025-01-07. Review status: criteria provided, single submitter. Criteria: ACMG Guidelines, 2015. Collection method: clinical testing. Allele origin: germline. Affected: yes.
Comment: NF1:c.1744del p.(Cys582Alafs*4) is a frameshift variant located in exon 16 (out of 57 exons) in the NF1 gene. It is predicted to cause loss of normal protein function either by protein truncation or nonsense-mediated mRNA decay, and loss-of-function variants in NF1 are known to be pathogenic (PMID: 10712197, 23913538). NF1:c.1744del is absent in population controls (gnomAD v4.1.0 and v2.1.1). This variant has not been reported in ClinVar Database. It has not been reported in patients with NF1-related diseases. For these reasons, this variant is classified as likely pathogenic.

Literature cited by the submitters: PubMed 10712197; PubMed 23913538.